The following is an entry in ClinVar:

ClinVar aggregate classification (germline): Uncertain significance (1 of 4 stars; one submission).

Submission:

Labcorp Genetics (formerly Invitae), Labcorp
Classification: Uncertain significance. Last evaluated: 2022-02-25. Review status: criteria provided, single submitter. Criteria: Invitae Variant Classification Sherloc (09022015). Collection method: clinical testing. Allele origin: germline.
Comment: In summary, the available evidence is currently insufficient to determine the role of this variant in disease. Therefore, it has been classified as a Variant of Uncertain Significance. This sequence change replaces threonine, which is neutral and polar, with isoleucine, which is neutral and non-polar, at codon 957 of the MSH3 protein (p.Thr957Ile). Algorithms developed to predict the effect of missense changes on protein structure and function (SIFT, PolyPhen-2, Align-GVGD) all suggest that this variant is likely to be tolerated. This variant has not been reported in the literature in individuals affected with MSH3-related conditions. This variant is not present in population databases (gnomAD no frequency).

NM_002439.5(MSH3):c.2870C>T (p.Thr957Ile)

Gene: MSH3 (mutS homolog 3; plus strand). Cytogenetic location: 5q14.1.
Variant type: single nucleotide variant.
Coding change: c.2870C>T on transcript NM_002439.5 (MANE Select); coding-DNA position 2870, C replaced by T.
Protein change: p.Thr957Ile; replaces threonine 957 with isoleucine.
Molecular consequence: missense variant.
Genome position (GRCh38, 1-based): chr5:80,854,186, C>T. VCF-style: chr5-80854186-C-T. GRCh37 (hg19) VCF-style: chr5-80150005-C-T.
Other names: short protein forms T957I.
Identifiers: ClinVar variation 1355307 (VCV001355307.8), dbSNP rs2112106364, ClinGen allele CA360275585.